The following is an entry in ClinVar:

ClinVar aggregate classification (germline): Likely benign. Review status: criteria provided, multiple submitters, no conflicts (2 of 4 stars). 2 submissions from 2 submitters: Likely benign (2). Last evaluated 2025-11-04.

Conditions:
Charcot-Marie-Tooth disease dominant intermediate B (CMTDIB). Also called: CHARCOT-MARIE-TOOTH NEUROPATHY, DOMINANT INTERMEDIATE B; Charcot-Marie-Tooth disease dominant intermediate 1; CMT DI1; Charcot-Marie-Tooth disease dominant intermediate I. Identifiers: Orphanet 100044, Orphanet 228179, MedGen C1847902, MONDO:0011674, OMIM 606482.

Allele frequency attached by ClinVar (database versions not stated): ExAC 0.00007; ESP Exome Variant Server 0.00008; 1000 Genomes Project 30x 0.00016; gnomAD 0.00019 and 0.00022; 1000 Genomes Project 0.00020; TOPMed 0.00028.
gnomAD v4.1: 134 of 1,612,046 alleles (0.0083%); highest among the groups gnomAD compares: African/African-American, 0.068%; no homozygotes.

Submissions (2):

Labcorp Genetics (formerly Invitae), Labcorp
Classification: Likely benign for Charcot-Marie-Tooth disease dominant intermediate B. Last evaluated: 2025-11-04. Review status: criteria provided, single submitter. Criteria: Invitae Variant Classification Sherloc (09022015). Collection method: clinical testing. Allele origin: germline.

GeneDx
Classification: Likely benign. Last evaluated: 2015-12-10. Review status: criteria provided, single submitter. Criteria: GeneDx Variant Classification (06012015). Collection method: clinical testing. Allele origin: germline. Affected: yes.
Comment: This variant is considered likely benign or benign based on one or more of the following criteria: it is a conservative change, it occurs at a poorly conserved position in the protein, it is predicted to be benign by multiple in silico algorithms, and/or has population frequency not consistent with disease.

NM_001005361.3(DNM2):c.1546-16C>T

Gene: DNM2 (dynamin 2; plus strand). Cytogenetic location: 19p13.2.
Variant type: single nucleotide variant.
Coding change: c.1546-16C>T on transcript NM_001005361.3 (MANE Select); 16 bases into the intron before coding-DNA position 1546, C replaced by T.
Molecular consequence: intron variant.
Genome position (GRCh38, 1-based): chr19:10,808,553, C>T. VCF-style: chr19-10808553-C-T. GRCh37 (hg19) VCF-style: chr19-10919229-C-T.
Other names: c.1546-16C>T (NM_001005360.3, NM_001190716.2); c.1545+2586C>T (NM_004945.4, NM_001005362.3).
Identifiers: ClinVar variation 382046 (VCV000382046.9), dbSNP rs375554484, ClinGen allele CA9201232.